The following is an entry in ClinVar:

NM_024301.5(FKRP):c.851T>C (p.Leu284Pro)

Gene: FKRP (fukutin related protein; plus strand). Cytogenetic location: 19q13.32.
Variant type: single nucleotide variant.
Coding change: c.851T>C on transcript NM_024301.5 (MANE Select); coding-DNA position 851, T replaced by C.
Protein change: p.Leu284Pro; replaces leucine 284 with proline.
Molecular consequence: missense variant.
Genome position (GRCh38, 1-based): chr19:46,756,301, T>C. VCF-style: chr19-46756301-T-C. GRCh37 (hg19) VCF-style: chr19-47259558-T-C.
Other names: c.851T>C, p.Leu284Pro (NM_001039885.3); short protein forms L284P.
Identifiers: ClinVar variation 579301 (VCV000579301.11), dbSNP rs1435780847, ClinGen allele CA406496138.

ClinVar aggregate classification (germline): Uncertain significance. Review status: criteria provided, multiple submitters, no conflicts (2 of 4 stars). 3 submissions from 3 submitters: Uncertain significance (2). 1 of the submissions does not count toward it. Last evaluated 2024-10-14.

Conditions:
Walker-Warburg congenital muscular dystrophy. Also called: Muscular dystrophy-dystroglycanopathy, type A; Walker-Warburg syndrome. Identifiers: Orphanet 899, MedGen C0265221, MONDO:0000171.
Autosomal recessive limb-girdle muscular dystrophy type 2I. Also called: MUSCULAR DYSTROPHY-DYSTROGLYCANOPATHY (LIMB-GIRDLE), TYPE C, 5; MUSCULAR DYSTROPHY, LIMB-GIRDLE, TYPE 2I; MUSCULAR DYSTROPHY-DYSTROGLYCANOPATHY, LIMB-GIRDLE, FRKP-RELATED. Identifiers: Orphanet 34515, MedGen C1846672, MONDO:0011787, OMIM 607155.
Muscular dystrophy-dystroglycanopathy type B5 (MDDGB5). Also called: MUSCULAR DYSTROPHY-DYSTROGLYCANOPATHY (CONGENITAL WITH OR WITHOUT IMPAIRED INTELLECTUAL DEVELOPMENT), TYPE B, 5; MUSCULAR DYSTROPHY, CONGENITAL, 1C; MUSCULAR DYSTROPHY, CONGENITAL, FKRP-RELATED. Identifiers: MedGen C1847759, MONDO:0011688, OMIM 606612.
Muscular dystrophy-dystroglycanopathy (congenital with brain and eye anomalies), type A5. Also called: MUSCULAR DYSTROPHY-DYSTROGLYCANOPATHY (CONGENITAL WITH BRAIN AND EYE ANOMALIES), TYPE A, 5; WALKER-WARBURG SYNDROME OR MUSCLE-EYE-BRAIN DISEASE, FKRP-RELATED. Identifiers: Orphanet 588, Orphanet 899, MedGen C3150413, MONDO:0013157, OMIM 613153.
Muscular dystrophy-dystroglycanopathy (congenital with brain and eye anomalies), type A1 (MDDGA1). Also called: Muscular dystrophy-dystroglycanopathy (congenital with brain and eye anomalies), type A, 1; Warburg syndrome; Chemke syndrome; Pagon syndrome; Cerebroocular dysgenesis; Cerebroocular dysplasia muscular dystrophy syndrome. Identifiers: Orphanet 588, Orphanet 899, MedGen C4284790, MONDO:0009364, OMIM 236670.

Allele frequency attached by ClinVar (database versions not stated): gnomAD 0.00001; gnomAD exomes 0.00001; TOPMed 0.00001.
gnomAD v4.1: 5 of 1,540,508 alleles (0.00032%); highest among the groups gnomAD compares: Non-Finnish European, 0.00044%; no homozygotes.

Submissions (3):

Labcorp Genetics (formerly Invitae), Labcorp
Classification: Uncertain significance for Walker-Warburg congenital muscular dystrophy. Last evaluated: 2024-10-14. Review status: criteria provided, single submitter. Criteria: Invitae Variant Classification Sherloc (09022015). Collection method: clinical testing. Allele origin: germline.
Comment: This sequence change replaces leucine, which is neutral and non-polar, with proline, which is neutral and non-polar, at codon 284 of the FKRP protein (p.Leu284Pro). The frequency data for this variant in the population databases is considered unreliable, as metrics indicate poor data quality at this position in the gnomAD database. This variant has not been reported in the literature in individuals affected with FKRP-related conditions. ClinVar contains an entry for this variant (Variation ID: 579301). Invitae Evidence Modeling of protein sequence and biophysical properties (such as structural, functional, and spatial information, amino acid conservation, physicochemical variation, residue mobility, and thermodynamic stability) has been performed for this missense variant. However, the output from this modeling did not meet the statistical confidence thresholds required to predict the impact of this variant on FKRP protein function. In summary, the available evidence is currently insufficient to determine the role of this variant in disease. Therefore, it has been classified as a Variant of Uncertain Significance.

Fulgent Genetics
Classification: Uncertain significance for Muscular dystrophy-dystroglycanopathy (congenital with brain and eye anomalies), type A1; Muscular dystrophy-dystroglycanopathy type B5; Autosomal recessive limb-girdle muscular dystrophy type 2I; Muscular dystrophy-dystroglycanopathy (congenital with brain and eye anomalies), type A5. Last evaluated: 2021-08-30. Review status: criteria provided, single submitter. Criteria: ACMG Guidelines, 2015. Collection method: clinical testing. Allele origin: unknown.

Natera, Inc.
Classification: Uncertain significance for Limb-girdle muscular dystrophy type 2I. Last evaluated: 2021-07-06. Review status: no assertion criteria provided. Collection method: clinical testing. Allele origin: germline. Not counted in ClinVar's aggregate classification.